The following is an entry in ClinVar:

NM_006790.3(MYOT):c.1019T>C (p.Val340Ala)

Genes: PKD2L2-DT (PKD2L2 divergent transcript; minus strand), MYOT (myotilin; plus strand). Cytogenetic location: 5q31.2.
Variant type: single nucleotide variant.
Coding change: c.1019T>C on transcript NM_006790.3 (MANE Select); coding-DNA position 1019, T replaced by C.
Protein change: p.Val340Ala; replaces valine 340 with alanine.
Molecular consequence: missense variant.
Genome position (GRCh38, 1-based): chr5:137,883,586, T>C. VCF-style: chr5-137883586-T-C. GRCh37 (hg19) VCF-style: chr5-137219275-T-C.
Other names: c.467T>C, p.Val156Ala (NM_001135940.2); c.674T>C, p.Val225Ala (NM_001300911.2); short protein forms V225A, V156A, V340A.
Identifiers: ClinVar variation 4694393 (VCV004694393.1).

ClinVar aggregate classification (germline): Uncertain significance (1 of 4 stars; one submission).

Conditions:
Myofibrillar myopathy 3 (MFM3). Also called: Autosomal dominant spheroid body myopathy; Muscular dystrophy, proximal, type 1A. Identifiers: Orphanet 266, Orphanet 268129, MedGen C3714934, MONDO:0012215, OMIM 609200.

gnomAD v4.1: 3 of 1,614,000 alleles (0.00019%); highest among the groups gnomAD compares: African/African-American, 0.004%; no homozygotes.

Submission:

Labcorp Genetics (formerly Invitae), Labcorp
Classification: Uncertain significance for Myofibrillar myopathy 3. Last evaluated: 2025-03-16. Review status: criteria provided, single submitter. Criteria: Invitae Variant Classification Sherloc (09022015). Collection method: clinical testing. Allele origin: germline.
Comment: This sequence change replaces valine, which is neutral and non-polar, with alanine, which is neutral and non-polar, at codon 340 of the MYOT protein (p.Val340Ala). This variant is present in population databases (rs556148425, gnomAD 0.008%). This variant has not been reported in the literature in individuals affected with MYOT-related conditions. Invitae Evidence Modeling of protein sequence and biophysical properties (such as structural, functional, and spatial information, amino acid conservation, physicochemical variation, residue mobility, and thermodynamic stability) indicates that this missense variant is expected to disrupt MYOT protein function with a positive predictive value of 80%. In summary, the available evidence is currently insufficient to determine the role of this variant in disease. Therefore, it has been classified as a Variant of Uncertain Significance.